The following is an entry in ClinVar:

NM_001670.3(ARVCF):c.2031C>G (p.Phe677Leu)

Gene: ARVCF (ARVCF delta catenin family member; minus strand). Cytogenetic location: 22q11.21.
Variant type: single nucleotide variant.
Coding change: c.2031C>G on transcript NM_001670.3 (MANE Select); coding-DNA position 2031, C replaced by G.
Protein change: p.Phe677Leu; replaces phenylalanine 677 with leucine.
Molecular consequence: missense variant.
Genome position (GRCh38, 1-based): chr22:19,974,169, G>C on the plus strand (C>G on the coding strand, the complement: ARVCF is on the minus strand). VCF-style: chr22-19974169-G-C. GRCh37 (hg19) VCF-style: chr22-19961692-G-C.
Other names: short protein forms F677L.
Identifiers: ClinVar variation 770471 (VCV000770471.28), dbSNP rs148872323, ClinGen allele CA10105322.

ClinVar aggregate classification (germline): Likely benign. Review status: criteria provided, multiple submitters, no conflicts (2 of 4 stars). 3 submissions from 3 submitters: Likely benign (3). Last evaluated 2025-12-01.

Allele frequency attached by ClinVar (database versions not stated): TOPMed 0.00131; gnomAD 0.00145 and 0.00161; 1000 Genomes Project 30x 0.00156; ESP Exome Variant Server 0.00161; 1000 Genomes Project 0.00180; gnomAD exomes 0.00229 and 0.00256; ExAC 0.00274.
gnomAD v4.1: 3,557 of 1,613,038 alleles (0.22%); highest among the groups gnomAD compares: South Asian, 0.71%; 16 homozygotes.

Submissions (3):

CeGaT Center for Human Genetics Tuebingen
Classification: Likely benign. Last evaluated: 2025-12-01. Review status: criteria provided, single submitter. Criteria: CeGaT Center For Human Genetics Tuebingen Variant Classification Criteria Version 2. Collection method: clinical testing. Allele origin: germline. Affected: yes. Observed: 5 variant alleles.
Comment: ARVCF: BS2

Labcorp Genetics (formerly Invitae), Labcorp
Classification: Likely benign. Last evaluated: 2018-07-07. Review status: criteria provided, single submitter. Criteria: Invitae Variant Classification Sherloc (09022015). Collection method: clinical testing. Allele origin: germline.

Breakthrough Genomics
Classification: Likely benign. Review status: criteria provided, single submitter. Criteria: ACMG Guidelines, 2015. Collection method: not provided. Allele origin: germline. Inheritance: Unknown mechanism. Affected: yes.